The following is an entry in ClinVar:

NM_004629.2(FANCG):c.1232A>T (p.Gln411Leu)

Gene: FANCG (FA complementation group G; minus strand). Cytogenetic location: 9p13.3.
Variant type: single nucleotide variant.
Coding change: c.1232A>T on transcript NM_004629.2 (MANE Select); coding-DNA position 1232, A replaced by T.
Protein change: p.Gln411Leu; replaces glutamine 411 with leucine.
Molecular consequence: missense variant.
Genome position (GRCh38, 1-based): chr9:35,075,666, T>A on the plus strand (A>T on the coding strand, the complement: FANCG is on the minus strand). VCF-style: chr9-35075666-T-A. GRCh37 (hg19) VCF-style: chr9-35075663-T-A.
Other names: short protein forms Q411L.
Identifiers: ClinVar variation 4022518 (VCV004022518.1).

ClinVar aggregate classification (germline): Uncertain significance (1 of 4 stars; one submission).

Conditions:
Inborn genetic diseases. Identifiers: MedGen C0950123, MeSH D030342.

Submission:

Ambry Genetics
Classification: Uncertain significance for Inborn genetic diseases. Last evaluated: 2025-05-15. Review status: criteria provided, single submitter. Criteria: Ambry Variant Classification Scheme 2023. Collection method: clinical testing. Allele origin: germline.
Comment: The p.Q411L variant (also known as c.1232A>T), located in coding exon 10 of the FANCG gene, results from an A to T substitution at nucleotide position 1232. The glutamine at codon 411 is replaced by leucine, an amino acid with dissimilar properties. This amino acid position is conserved. In addition, this alteration is predicted to be tolerated by in silico analysis. Based on the available evidence, the clinical significance of this variant remains unclear.